The following is an entry in ClinVar:

ClinVar aggregate classification (somatic clinical impact): Tier II - Potential (1 of 4 stars; one submission).

Conditions:
Embryonal rhabdomyosarcoma (ERMS). Also called: Botryoid rhabdomyosarcoma (type of ERMS); Spindle cell rhabdomyosarcomas (type of ERMS). Identifiers: Orphanet 99757, MedGen C0206656, MONDO:0009993, HP:0006743.

Submission:

Institute for Genomic Medicine (IGM) Clinical Laboratory, Nationwide Children's Hospital
Classification: Tier II - Potential for Embryonal rhabdomyosarcoma. Assertion type: diagnostic. Clinical significance: supports diagnosis. Last evaluated: 2023-08-25. Review status: criteria provided, single submitter. Criteria: AMP/ASCO/CAP Guidelines, 2017. Collection method: clinical testing. Allele origin: somatic. Affected: yes.
Comment: Variant has Tier II (potential) clinical significance as a diagnostic inclusion criterion in embryonal rhabdomyosarcoma, based on the following evidence: 1) Documented in one or more cancer databases (e.g., St. Jude Pecan, COSMIC, CIViC, OncoKB). 2) Information in the literature supports potential biologic effect of variant (PMIDs: 25351745, 26324360, 32641410). 3) Assists in diagnosis alone or along with other biomarkers based on small studies or few case reports (Evidence Level D; PMIDs: 19681119, 35705560, 30371878, 22588877).

Literature cited by the submitters: PubMed 25351745; PubMed 26324360; PubMed 32641410; PubMed 19681119; PubMed 35705560; PubMed 30371878; PubMed 22588877.

NM_002755.4(MAP2K1):c.157T>C (p.Phe53Leu)

Gene: MAP2K1 (mitogen-activated protein kinase kinase 1; plus strand). Cytogenetic location: 15q22.31.
Variant type: single nucleotide variant.
Coding change: c.157T>C on transcript NM_002755.4 (MANE Select); coding-DNA position 157, T replaced by C.
Protein change: p.Phe53Leu; replaces phenylalanine 53 with leucine.
Molecular consequence: missense variant.
Genome position (GRCh38, 1-based): chr15:66,435,103, T>C. VCF-style: chr15-66435103-T-C. GRCh37 (hg19) VCF-style: chr15-66727441-T-C.
Other names: short protein forms F53L.
Identifiers: ClinVar variation 4530447 (VCV004530447.1), dbSNP rs1057519728.